The following is an entry in ClinVar:

NM_001012339.3(DNAJC21):c.874G>A (p.Glu292Lys)

Gene: DNAJC21 (DnaJ heat shock protein family (Hsp40) member C21; plus strand). Cytogenetic location: 5p13.2.
Variant type: single nucleotide variant.
Coding change: c.874G>A on transcript NM_001012339.3 (MANE Select); coding-DNA position 874, G replaced by A.
Protein change: p.Glu292Lys; replaces glutamic acid 292 with lysine.
Molecular consequence: missense variant.
Genome position (GRCh38, 1-based): chr5:34,938,988, G>A. VCF-style: chr5-34938988-G-A. GRCh37 (hg19) VCF-style: chr5-34939093-G-A.
Other names: c.874G>A, p.Glu292Lys (NM_001348420.2, NM_194283.4); short protein forms E292K.
Identifiers: ClinVar variation 1362847 (VCV001362847.8), dbSNP rs2112046046, ClinGen allele CA359416352.
Genomic context (GRCh38, chr5:34,938,988, plus strand): 5'-GAGGCACGGTACGAGAAGGAGTTTGGAGATGGATCGGATGAAAATGAAATGGAAGAACAT[G>A]AACTCAAAGATGAGGAGGATGGTAATATTATTTTTATTTTATTTATCTTTTTTGTTTTTT-3'
Protein context (NP_001012339.2, residues 282-302): GSDENEMEEH[Glu292Lys]LKDEEDGKDS

ClinVar aggregate classification (germline): Uncertain significance (1 of 4 stars; one submission).

Submission:

Labcorp Genetics (formerly Invitae), Labcorp
Classification: Uncertain significance. Last evaluated: 2025-02-17. Review status: criteria provided, single submitter. Criteria: Invitae Variant Classification Sherloc (09022015). Collection method: clinical testing. Allele origin: germline.
Comment: This sequence change replaces glutamic acid, which is acidic and polar, with lysine, which is basic and polar, at codon 292 of the DNAJC21 protein (p.Glu292Lys). This variant is not present in population databases (gnomAD no frequency). This variant has not been reported in the literature in individuals affected with DNAJC21-related conditions. ClinVar contains an entry for this variant (Variation ID: 1362847). An algorithm developed to predict the effect of missense changes on protein structure and function (PolyPhen-2) suggests that this variant is likely to be disruptive. In summary, the available evidence is currently insufficient to determine the role of this variant in disease. Therefore, it has been classified as a Variant of Uncertain Significance.